The following is an entry in ClinVar:

NM_015192.4(PLCB1):c.857G>A (p.Arg286Lys)

Gene: PLCB1 (phospholipase C beta 1; plus strand). Cytogenetic location: 20p12.3.
Variant type: single nucleotide variant.
Coding change: c.857G>A on transcript NM_015192.4 (MANE Select); coding-DNA position 857, G replaced by A.
Protein change: p.Arg286Lys; replaces arginine 286 with lysine.
Molecular consequence: missense variant.
Genome position (GRCh38, 1-based): chr20:8,658,699, G>A. VCF-style: chr20-8658699-G-A. GRCh37 (hg19) VCF-style: chr20-8639346-G-A.
Other names: c.857G>A, p.Arg286Lys (NM_182734.3); short protein forms R286K.
Identifiers: ClinVar variation 568275 (VCV000568275.9), dbSNP rs1420410909, ClinGen allele CA408264401.

ClinVar aggregate classification (germline): Uncertain significance (1 of 4 stars; one submission).

Conditions:
Developmental and epileptic encephalopathy, 12 (DEE12). Identifiers: MedGen C3150988, MONDO:0013389, OMIM 613722.

Allele frequency attached by ClinVar (database versions not stated): gnomAD exomes below 0.00001.

Submission:

Labcorp Genetics (formerly Invitae), Labcorp
Classification: Uncertain significance for Developmental and epileptic encephalopathy, 12. Last evaluated: 2021-06-25. Review status: criteria provided, single submitter. Criteria: Invitae Variant Classification Sherloc (09022015). Collection method: clinical testing. Allele origin: germline.
Comment: This variant has not been reported in the literature in individuals with PLCB1-related disease. Algorithms developed to predict the effect of missense changes on protein structure and function output the following: SIFT: "Tolerated"; PolyPhen-2: "Benign"; Align-GVGD: "Class C0". The lysine amino acid residue is found in multiple mammalian species, suggesting that this missense change does not adversely affect protein function. These predictions have not been confirmed by published functional studies and their clinical significance is uncertain. This variant is not present in population databases (ExAC no frequency). This sequence change replaces arginine with lysine at codon 286 of the PLCB1 protein (p.Arg286Lys). The arginine residue is weakly conserved and there is a small physicochemical difference between arginine and lysine. In summary, the available evidence is currently insufficient to determine the role of this variant in disease. Therefore, it has been classified as a Variant of Uncertain Significance.